The following is an entry in ClinVar:

ClinVar aggregate classification (germline): Uncertain significance (1 of 4 stars; one submission).

Allele frequency attached by ClinVar (database versions not stated): gnomAD exomes below 0.00001; TOPMed 0.00001; gnomAD 0.00003.
gnomAD v4.1: 8 of 1,577,344 alleles (0.00051%); highest among the groups gnomAD compares: African/African-American, 0.0097%; no homozygotes.

Submission:

GeneDx
Classification: Uncertain significance. Last evaluated: 2023-02-09. Review status: criteria provided, single submitter. Criteria: GeneDx Variant Classification Process June 2021. Collection method: clinical testing. Allele origin: germline. Affected: yes.
Comment: Not observed at significant frequency in large population cohorts (gnomAD); In silico analysis supports that this missense variant does not alter protein structure/function; Has not been previously published as pathogenic or benign to our knowledge

NM_173630.4(RTTN):c.3494T>A (p.Leu1165His)

Gene: RTTN (rotatin; minus strand). Cytogenetic location: 18q22.2.
Variant type: single nucleotide variant.
Coding change: c.3494T>A on transcript NM_173630.4 (MANE Select); coding-DNA position 3494, T replaced by A.
Protein change: p.Leu1165His; replaces leucine 1165 with histidine.
Molecular consequence: missense variant.
Genome position (GRCh38, 1-based): chr18:70,121,590, A>T on the plus strand (T>A on the coding strand, the complement: RTTN is on the minus strand). VCF-style: chr18-70121590-A-T. GRCh37 (hg19) VCF-style: chr18-67788826-A-T.
Other names: c.758T>A, p.Leu253His (NM_001318520.2); short protein forms L1165H, L253H.
Identifiers: ClinVar variation 2575813 (VCV002575813.1), dbSNP rs1180047789, ClinGen allele CA402691907.